The following is an entry in ClinVar:

ClinVar aggregate classification (germline): Uncertain significance (1 of 4 stars; one submission).

Conditions:
Cornelia de Lange syndrome 3 (CDLS3). Also called: SMC3-Related Cornelia de Lange Syndrome; CORNELIA DE LANGE SYNDROME 3 WITH OR WITHOUT MIDLINE BRAIN DEFECTS. Identifiers: Orphanet 199, MedGen C1853099, MONDO:0012555, OMIM 610759.

Submission:

Juno Genomics, Hangzhou Juno Genomics, Inc
Classification: Uncertain significance for Cornelia de Lange syndrome 3. Review status: criteria provided, single submitter. Criteria: ACMG Guidelines, 2015. Collection method: clinical testing. Allele origin: germline.
Comment: Absent from controls (or at extremely low frequency if recessive) in Genome Aggregation Database.;Missense variant in a gene that has a low rate of benign missense variation.;Multiple lines of computational evidence support a deleterious effect on the gene or gene product.

NM_005445.4(SMC3):c.2846T>C (p.Leu949Pro)

Gene: SMC3 (structural maintenance of chromosomes 3; plus strand). Cytogenetic location: 10q25.2.
Variant type: single nucleotide variant.
Coding change: c.2846T>C on transcript NM_005445.4 (MANE Select); coding-DNA position 2846, T replaced by C.
Protein change: p.Leu949Pro; replaces leucine 949 with proline.
Molecular consequence: missense variant.
Genome position (GRCh38, 1-based): chr10:110,601,838, T>C. VCF-style: chr10-110601838-T-C. GRCh37 (hg19) VCF-style: chr10-112361596-T-C.
Other names: short protein forms L949P.
Identifiers: ClinVar variation 5007524 (VCV005007524.2).